The following is an entry in ClinVar:

NM_001383.6(DPH1):c.871A>G (p.Thr291Ala)

Gene: DPH1 (diphthamide biosynthesis 1; plus strand). Cytogenetic location: 17p13.3.
Variant type: single nucleotide variant.
Coding change: c.871A>G on transcript NM_001383.6 (MANE Select); coding-DNA position 871, A replaced by G.
Protein change: p.Thr291Ala; replaces threonine 291 with alanine.
Molecular consequence: missense variant. On other transcripts: non-coding transcript variant (3), intron variant (2).
Genome position (GRCh38, 1-based): chr17:2,040,339, A>G. VCF-style: chr17-2040339-A-G. GRCh37 (hg19) VCF-style: chr17-1943633-A-G.
Other names: c.466A>G, p.Thr156Ala (NM_001346576.2); c.858+28A>G (NM_001346574.1); c.825+28A>G (NM_001346575.1); short protein forms T156A, T291A.
Identifiers: ClinVar variation 4990270 (VCV004990270.1).

ClinVar aggregate classification (germline): Uncertain significance (1 of 4 stars; one submission).

Conditions:
DPH1-related disorder. Also called: DPH1-related condition.

Submission:

PreventionGenetics, part of Exact Sciences
Classification: Uncertain significance for DPH1-related condition. Last evaluated: 2024-10-04. Review status: criteria provided, single submitter. Criteria: ACMG Guidelines, 2015. Collection method: clinical testing. Allele origin: germline.
Comment: The DPH1 c.886A>G variant is predicted to result in the amino acid substitution p.Thr296Ala. To our knowledge, this variant has not been reported in the literature or in a large population database (gnomAD), indicating this variant is rare. At this time, the clinical significance of this variant is uncertain due to the absence of conclusive functional and genetic evidence.